The following is an entry in ClinVar:

ClinVar aggregate classification (germline): Uncertain significance (1 of 4 stars; one submission).

Conditions:
Brugada syndrome. Also called: Sudden Unexplained Death Syndrome; Sudden Unexplained Nocturnal Death Syndrome (SUNDS); Sudden unexpected nocturnal death syndrome; Sudden unexplained nocturnal death syndrome. Identifiers: Orphanet 130, MedGen C1142166, MONDO:0015263.

Submission:

Labcorp Genetics (formerly Invitae), Labcorp
Classification: Uncertain significance for Brugada syndrome. Last evaluated: 2020-06-15. Review status: criteria provided, single submitter. Criteria: Invitae Variant Classification Sherloc (09022015). Collection method: clinical testing. Allele origin: germline.
Comment: In summary, the available evidence is currently insufficient to determine the role of this variant in disease. Therefore, it has been classified as a Variant of Uncertain Significance. This variant results in a copy number gain of the genomic region encompassing exon(s) 32-39 of the CACNA2D1 gene. The 5' boundary is likely confined to intron 31. The 3' end of this event is unknown as it extends beyond the assayed region for this gene and therefore may encompass additional genes. As the precise location of this event is unknown, it may be in tandem or it may be located elsewhere in the genome. This variant has not been reported in the literature in individuals with CACNA2D1-related conditions.

NC_000007.13:g.(?_81579698)_(81594991_?)dup

Gene: CACNA2D1 (calcium voltage-gated channel auxiliary subunit alpha2delta 1; minus strand). Cytogenetic location: 7q21.11.
Variant type: Duplication.
Identifiers: ClinVar variation 1064033 (VCV001064033.5).